The following is an entry in ClinVar:

ClinVar aggregate classification (germline): Uncertain significance (1 of 4 stars; one submission).

Conditions:
Inborn genetic diseases. Identifiers: MedGen C0950123, MeSH D030342.

gnomAD v4.1: 2 of 1,614,078 alleles (0.00012%); highest among the groups gnomAD compares: African/African-American, 0.0013%; no homozygotes.

Submission:

Ambry Genetics
Classification: Uncertain significance for Inborn genetic diseases. Last evaluated: 2026-04-12. Review status: criteria provided, single submitter. Criteria: Ambry Variant Classification Scheme 2023. Collection method: clinical testing. Allele origin: germline.
Comment: The p.A1382T variant (also known as c.4144G>A), located in coding exon 13 of the ASXL1 gene, results from a G to A substitution at nucleotide position 4144. The alanine at codon 1382 is replaced by threonine, an amino acid with similar properties. This amino acid position is conserved. In addition, this alteration is predicted to be tolerated by in silico analysis. Based on the available evidence, the clinical significance of this variant remains unclear.

NM_015338.6(ASXL1):c.4144G>A (p.Ala1382Thr)

Gene: ASXL1 (ASXL transcriptional regulator 1; plus strand). Cytogenetic location: 20q11.21.
Variant type: single nucleotide variant.
Coding change: c.4144G>A on transcript NM_015338.6 (MANE Select); coding-DNA position 4144, G replaced by A.
Protein change: p.Ala1382Thr; replaces alanine 1382 with threonine.
Molecular consequence: missense variant.
Genome position (GRCh38, 1-based): chr20:32,436,856, G>A. VCF-style: chr20-32436856-G-A. GRCh37 (hg19) VCF-style: chr20-31024659-G-A.
Other names: c.3961G>A, p.Ala1321Thr (NM_001363734.1); short protein forms A1321T, A1382T.
Identifiers: ClinVar variation 4864239 (VCV004864239.1).
Genomic context (GRCh38, chr20:32,436,856, plus strand): 5'-GCCTTTGTTGGCAGCGTCAAGAATGAGAAGACTTTTGTGGGGGGTCCTCTTAAGGCAAAT[G>A]CCGAGAACAGGAAAGCTACTGGGCATAGTCCCCTGGAACTGGTGGGTCACTTGGAAGGGA-3'
Protein context (NP_056153.2, residues 1372-1392): TFVGGPLKAN[Ala1382Thr]ENRKATGHSP